The following is an entry in ClinVar:

NM_001110556.2(FLNA):c.168C>G (p.His56Gln)

Gene: FLNA (filamin A; minus strand). Cytogenetic location: Xq28.
Variant type: single nucleotide variant.
Coding change: c.168C>G on transcript NM_001110556.2 (MANE Select); coding-DNA position 168, C replaced by G.
Protein change: p.His56Gln; replaces histidine 56 with glutamine.
Molecular consequence: missense variant.
Genome position (GRCh38, 1-based): chrX:154,371,078, G>C on the plus strand (C>G on the coding strand, the complement: FLNA is on the minus strand). VCF-style: chrX-154371078-G-C. GRCh37 (hg19) VCF-style: chrX-153599446-G-C.
Other names: c.168C>G, p.His56Gln (NM_001456.4); short protein forms H56Q.
Identifiers: ClinVar variation 573049 (VCV000573049.12), dbSNP rs1569551928, ClinGen allele CA415255203.
Genomic context (GRCh38, chrX:154,371,078, plus strand): 5'-CCGCAGCCCGTCGCTCAGGTCCGTCTGCAGGTTGGCGATGCGCTTGCTCACGCACTTCAG[G>C]TGCTCGTTGCACCAGCGCGTGAAAGTGTTCTGCTGGATCTTCTTCCACGGCGCGTCCTCC-3'
Protein context (NP_001104026.1, residues 46-66): QNTFTRWCNE[His56Gln]LKCVSKRIAN

ClinVar aggregate classification (germline): Uncertain significance. Review status: criteria provided, multiple submitters, no conflicts (2 of 4 stars). 2 submissions from 2 submitters: Uncertain significance (2). Last evaluated 2021-01-20.

Conditions:
Heterotopia, periventricular, X-linked dominant (PVNH1). Also called: PERIVENTRICULAR NODULAR HETEROTOPIA 4; HETEROTOPIA, PERIVENTRICULAR, 1; PERIVENTRICULAR NODULAR HETEROTOPIA 1; X-linked periventricular heterotopia. Identifiers: Orphanet 2149, Orphanet 82004, MedGen C1848213, MONDO:0010233, OMIM 300049.
Melnick-Needles syndrome (MNS). Also called: Melnick-Needles Syndrome (FLNA-MNS); MELNICK-NEEDLES OSTEODYSPLASTY; OSTEODYSPLASTY OF MELNICK AND NEEDLES. Identifiers: Orphanet 2484, MedGen C0025237, MONDO:0010650, OMIM 309350.
Frontometaphyseal dysplasia (FMD1). Identifiers: Orphanet 1826, MedGen C0265293, MONDO:0015942.
Oto-palato-digital syndrome, type II (OPD2). Also called: Otopalatodigital Syndrome Type 2 (FLNA-OPD2); Otopalatodigital Syndrome, Type II; FACIOPALATOOSSEOUS SYNDROME; OPD II SYNDROME. Identifiers: Orphanet 669, Orphanet 90652, MedGen C1844696, MONDO:0010571, OMIM 304120.

Submissions (2):

GeneDx
Classification: Uncertain significance. Last evaluated: 2021-01-20. Review status: criteria provided, single submitter. Criteria: GeneDx Variant Classification Process June 2021. Collection method: clinical testing. Allele origin: germline. Affected: yes.
Comment: Has not been previously published as pathogenic or benign to our knowledge; Not observed in large population cohorts (Lek et al., 2016); In silico analysis supports that this missense variant has a deleterious effect on protein structure/function; Reported in ClinVar as a variant of uncertain significance (ClinVar Variant ID# 573049; Landrum et al., 2016)

Labcorp Genetics (formerly Invitae), Labcorp
Classification: Uncertain significance for Oto-palato-digital syndrome, type II; Heterotopia, periventricular, X-linked dominant; Frontometaphyseal dysplasia; Melnick-Needles syndrome. Last evaluated: 2018-05-18. Review status: criteria provided, single submitter. Criteria: Invitae Variant Classification Sherloc (09022015). Collection method: clinical testing. Allele origin: germline.
Comment: In summary, the available evidence is currently insufficient to determine the role of this variant in disease. Therefore, it has been classified as a Variant of Uncertain Significance. Algorithms developed to predict the effect of missense changes on protein structure and function are either unavailable or do not agree on the potential impact of this missense change (SIFT: "Deleterious"; PolyPhen-2: "Probably Damaging"; Align-GVGD: "Class C0"). This variant has not been reported in the literature in individuals with FLNA-related disease. This variant is not present in population databases (ExAC no frequency). This sequence change replaces histidine with glutamine at codon 56 of the FLNA protein (p.His56Gln). The histidine residue is highly conserved and there is a small physicochemical difference between histidine and glutamine.